The following is an entry in ClinVar:

ClinVar aggregate classification (germline): Uncertain significance. Review status: criteria provided, multiple submitters, no conflicts (2 of 4 stars). 2 submissions from 2 submitters: Uncertain significance (2). Last evaluated 2024-03-12.

Conditions:
KBG syndrome (KBGS). Also called: ANKRD11-Related KBG Syndrome. Identifiers: Orphanet 2332, MedGen C0220687, MONDO:0007846, OMIM 148050.

Allele frequency attached by ClinVar (database versions not stated): TOPMed below 0.00001.
gnomAD v4.1: 2 of 1,612,690 alleles (0.00012%); highest among the groups gnomAD compares: Admixed American, 0.0017%; no homozygotes.

Submissions (2):

Labcorp Genetics (formerly Invitae), Labcorp
Classification: Uncertain significance for KBG syndrome. Last evaluated: 2024-03-12. Review status: criteria provided, single submitter. Criteria: Invitae Variant Classification Sherloc (09022015). Collection method: clinical testing. Allele origin: germline.
Comment: This sequence change replaces histidine, which is basic and polar, with tyrosine, which is neutral and polar, at codon 2001 of the ANKRD11 protein (p.His2001Tyr). This variant is not present in population databases (gnomAD no frequency). This variant has not been reported in the literature in individuals affected with ANKRD11-related conditions. Advanced modeling of protein sequence and biophysical properties (such as structural, functional, and spatial information, amino acid conservation, physicochemical variation, residue mobility, and thermodynamic stability) performed at Invitae indicates that this missense variant is not expected to disrupt ANKRD11 protein function with a negative predictive value of 95%. In summary, the available evidence is currently insufficient to determine the role of this variant in disease. Therefore, it has been classified as a Variant of Uncertain Significance.

Blueprint Genetics
Classification: Uncertain significance. Last evaluated: 2023-12-04. Review status: criteria provided, single submitter. Criteria: ACMG Guidelines, 2015. Collection method: clinical testing. Allele origin: germline.

NM_013275.6(ANKRD11):c.6001C>T (p.His2001Tyr)

Gene: ANKRD11 (ankyrin repeat domain 11; minus strand). Cytogenetic location: 16q24.3.
Variant type: single nucleotide variant.
Coding change: c.6001C>T on transcript NM_013275.6 (MANE Select); coding-DNA position 6001, C replaced by T.
Protein change: p.His2001Tyr; replaces histidine 2001 with tyrosine.
Molecular consequence: missense variant.
Genome position (GRCh38, 1-based): chr16:89,280,541, G>A on the plus strand (C>T on the coding strand, the complement: ANKRD11 is on the minus strand). VCF-style: chr16-89280541-G-A. GRCh37 (hg19) VCF-style: chr16-89346949-G-A.
Other names: c.6001C>T, p.His2001Tyr (NM_001256182.2, NM_001256183.2); short protein forms H2001Y.
Identifiers: ClinVar variation 2999816 (VCV002999816.4), dbSNP rs1567560327, ClinGen allele CA397152258.